The following is an entry in ClinVar:

ClinVar aggregate classification (germline): Benign (1 of 4 stars; one submission).

gnomAD v4.1: 21,162 of 1,614,112 alleles (1.3%); highest among the groups gnomAD compares: Middle Eastern, 1.6%; 156 homozygotes.

Submission:

CeGaT Center for Human Genetics Tuebingen
Classification: Benign. Last evaluated: 2025-01-01. Review status: criteria provided, single submitter. Criteria: CeGaT Center For Human Genetics Tuebingen Variant Classification Criteria Version 2. Collection method: clinical testing. Allele origin: germline. Affected: yes. Observed: 1 variant allele.
Comment: EIF5B: BP4, BP7, BS1, BS2

NM_015904.4(EIF5B):c.2961A>G (p.Thr987=)

Gene: EIF5B (eukaryotic translation initiation factor 5B; plus strand). Cytogenetic location: 2q11.2.
Variant type: single nucleotide variant.
Coding change: c.2961A>G on transcript NM_015904.4 (MANE Select); coding-DNA position 2961, A replaced by G.
Protein change: p.Thr987=; no amino-acid change (threonine 987 retained).
Molecular consequence: synonymous variant.
Genome position (GRCh38, 1-based): chr2:99,394,347, A>G. VCF-style: chr2-99394347-A-G. GRCh37 (hg19) VCF-style: chr2-100010810-A-G.
Identifiers: ClinVar variation 3770422 (VCV003770422.13).